The following is an entry in ClinVar:

ClinVar aggregate classification (germline): Pathogenic/Likely pathogenic. Review status: criteria provided, multiple submitters, no conflicts (2 of 4 stars). 8 submissions from 8 submitters: Pathogenic (5); Likely pathogenic (1). 2 of the submissions do not count toward it. Last evaluated 2025-07-10.

Conditions:
TTPA-related disorder. Also called: TTPA-related condition.
Familial isolated deficiency of vitamin E (AVED). Also called: ATAXIA, FRIEDREICH-LIKE, WITH SELECTIVE VITAMIN E DEFICIENCY; Ataxia with isolated vitamin E deficiency. Identifiers: Orphanet 96, MedGen C1848533, MONDO:0010188, OMIM 277460.

Allele frequency attached by ClinVar (database versions not stated): gnomAD 0.00001 and 0.00002; TOPMed 0.00001.

Submissions (8):

Natera, Inc.
Classification: Pathogenic for Ataxia with isolated vitamin E deficiency. Last evaluated: 2025-07-10. Review status: criteria provided, single submitter. Criteria: Natera Variant Classification Schema (03/2026). Collection method: clinical testing. Allele origin: germline.
Comment: The c.2T>C variant in TTPA is predicted to result in start loss due to disruption of the initiator methionine. This variant is expected to result in nonsense mediated decay, truncation, or a dysfunctional protein product. This variant is rare in the general population with a frequency below the threshold expected for the associated phenotype(s). This variant has been observed in one or more individuals affected with the associated recessive disease, as either homozygous or compound heterozygous with a second variant (PMID: 10360777, 31970222). Given the available evidence, this variant is classified as Pathogenic.

Labcorp Genetics (formerly Invitae), Labcorp
Classification: Pathogenic. Last evaluated: 2025-04-22. Review status: criteria provided, single submitter. Criteria: Invitae Variant Classification Sherloc (09022015). Collection method: clinical testing. Allele origin: germline.
Comment: This sequence change affects the initiator codon of the TTPA mRNA. This change may impact translation initiation or efficiency. The next in-frame methionine is located at codon 209. This variant is not present in population databases (gnomAD no frequency). Disruption of the initiator codon has been observed in individuals with ataxia with isolated vitamin E deficiency (PMID: 10360777, 31970222). ClinVar contains an entry for this variant (Variation ID: 189186). Algorithms developed to predict the effect of variants on gene product structure and function are not available or were not evaluated for this variant. Experimental studies are conflicting or provide insufficient evidence to determine the effect of this variant on TTPA function (PMID: 3837850). This variant disrupts the p.Arg59 amino acid residue in TTPA. Other variant(s) that disrupt this residue have been determined to be pathogenic (PMID: 9463307, 16819822, 17049453, 23599266). This suggests that this residue is clinically significant, and that variants that disrupt this residue are likely to be disease-causing. For these reasons, this variant has been classified as Pathogenic.

Athena Diagnostics
Classification: Pathogenic. Last evaluated: 2024-10-04. Review status: criteria provided, single submitter. Criteria: Athena Diagnostics Criteria. Collection method: clinical testing. Allele origin: unknown.
Comment: This variant has not been reported in large, multi-ethnic general populations. This variant is likely to interfere with initiation of protein synthesis. In multiple individuals, this variant has been seen with a single recessive pathogenic variant in the same gene, suggesting this variant may also be pathogenic.

Mayo Clinic Laboratories, Mayo Clinic
Classification: Likely pathogenic. Last evaluated: 2024-09-06. Review status: criteria provided, single submitter. Criteria: ACMG Guidelines, 2015. Collection method: clinical testing. Allele origin: germline. Observed: 1 variant allele.
Comment: PP1_strong, PP4, PM2, PM3_supporting, PVS1_moderate

GeneDx
Classification: Pathogenic. Last evaluated: 2023-04-25. Review status: criteria provided, single submitter. Criteria: GeneDx Variant Classification Process June 2021. Collection method: clinical testing. Allele origin: germline. Affected: yes.
Comment: Initiation codon variant in a gene for which loss of function is a known mechanism of disease; Not observed at significant frequency in large population cohorts (gnomAD); This variant is associated with the following publications: (PMID: 9485073, 31970222, 10360777)

Blueprint Genetics
Classification: Pathogenic for TTPA-related disorders. Last evaluated: 2022-09-27. Review status: criteria provided, single submitter. Criteria: ACMG Guidelines, 2015. Collection method: clinical testing. Allele origin: germline. Affected: yes. Observed: 2 variant alleles.

PreventionGenetics, part of Exact Sciences
Classification: Likely pathogenic for TTPA-related condition. Last evaluated: 2024-06-03. Review status: no assertion criteria provided. Collection method: clinical testing. Allele origin: germline. Not counted in ClinVar's aggregate classification.
Comment: The TTPA c.2T>C variant is predicted to disrupt the translation initiation site (Start loss). This variant has been reported in the homozygous and compound heterozygous states in individuals with ataxia with vitamin E deficiency (Hoshino et al. 1999. PubMed ID: 10360777; Pradeep et al. 2019. PubMed ID: 31970222). This variant has not been reported in a large population database, indicating this variant is rare. This variant is interpreted as likely pathogenic.

Counsyl
Classification: Likely pathogenic for Ataxia with vitamin E deficiency. Last evaluated: 2015-02-18. Review status: no assertion criteria provided. Collection method: literature only. Allele origin: unknown. Inheritance: Autosomal recessive inheritance. Not counted in ClinVar's aggregate classification.

Literature cited by the submitters: PubMed 10360777 (cited by 5 submitters); PubMed 31970222 (cited by 4 submitters); PubMed 3837850 (cited by Labcorp Genetics (formerly Invitae), Labcorp and Counsyl); PubMed 9463307 (cited by Labcorp Genetics (formerly Invitae), Labcorp); PubMed 16819822 (cited by Labcorp Genetics (formerly Invitae), Labcorp); PubMed 17049453 (cited by Labcorp Genetics (formerly Invitae), Labcorp); PubMed 23599266 (cited by Labcorp Genetics (formerly Invitae), Labcorp).

NM_000370.3(TTPA):c.2T>C (p.Met1Thr)

Gene: TTPA (alpha tocopherol transfer protein; minus strand). Cytogenetic location: 8q12.3.
Variant type: single nucleotide variant.
Coding change: c.2T>C on transcript NM_000370.3 (MANE Select); coding-DNA position 2, T replaced by C.
Protein change: p.Met1Thr; changes the start codon (methionine 1).
Molecular consequence: missense variant, initiator codon variant.
Genome position (GRCh38, 1-based): chr8:63,086,020, A>G on the plus strand (T>C on the coding strand, the complement: TTPA is on the minus strand). VCF-style: chr8-63086020-A-G. GRCh37 (hg19) VCF-style: chr8-63998579-A-G.
Other names: p.Met1?; short protein forms M1T.
Identifiers: ClinVar variation 189186 (VCV000189186.21), dbSNP rs786204758, ClinGen allele CA274475.